The following is an entry in ClinVar:

ClinVar aggregate classification (germline): Uncertain significance (1 of 4 stars; one submission).

Submission:

Labcorp Genetics (formerly Invitae), Labcorp
Classification: Uncertain significance. Last evaluated: 2022-07-05. Review status: criteria provided, single submitter. Criteria: Invitae Variant Classification Sherloc (09022015). Collection method: clinical testing. Allele origin: germline.
Comment: This sequence change replaces tyrosine, which is neutral and polar, with phenylalanine, which is neutral and non-polar, at codon 1090 of the DHX38 protein (p.Tyr1090Phe). In summary, the available evidence is currently insufficient to determine the role of this variant in disease. Therefore, it has been classified as a Variant of Uncertain Significance. Algorithms developed to predict the effect of missense changes on protein structure and function are either unavailable or do not agree on the potential impact of this missense change (SIFT: "Deleterious"; PolyPhen-2: "Probably Damaging"; Align-GVGD: "Class C15"). This variant has not been reported in the literature in individuals affected with DHX38-related conditions. This variant is not present in population databases (gnomAD no frequency).

NM_014003.4(DHX38):c.3269A>T (p.Tyr1090Phe)

Gene: DHX38 (DEAH-box helicase 38; plus strand). Cytogenetic location: 16q22.2.
Variant type: single nucleotide variant.
Coding change: c.3269A>T on transcript NM_014003.4 (MANE Select); coding-DNA position 3269, A replaced by T.
Protein change: p.Tyr1090Phe; replaces tyrosine 1090 with phenylalanine.
Molecular consequence: missense variant.
Genome position (GRCh38, 1-based): chr16:72,108,813, A>T. VCF-style: chr16-72108813-A-T. GRCh37 (hg19) VCF-style: chr16-72142712-A-T.
Other names: short protein forms Y1090F.
Identifiers: ClinVar variation 2090770 (VCV002090770.4), dbSNP rs2507121427, ClinGen allele CA396716561.